The following is an entry in ClinVar:

NM_001165963.4(SCN1A):c.4002+2510del

Genes: SCN1A (sodium voltage-gated channel alpha subunit 1; minus strand), LOC102724058 (uncharacterized LOC102724058; plus strand). Cytogenetic location: 2q24.3.
Variant type: Deletion.
Coding change: c.4002+2510del on transcript NM_001165963.4 (MANE Select); 2510 bases into the intron after coding-DNA position 4002, one base deleted (C; older notation c.4002+2510delC).
Molecular consequence: intron variant.
Genome position (GRCh38, 1-based): chr2:166,007,209, G deleted on the plus strand (C on the coding strand, the reverse complement: SCN1A is on the minus strand). VCF-style (leftmost placement, unchanged base first): chr2-166007208-AG-A. GRCh37 (hg19) VCF-style: chr2-166863718-AG-A.
Other names: c.3969+2510del (NM_001353949.2, NM_001353950.2, NM_001353951.2 and 2 more transcripts); c.3918+2510del (NM_001353958.2, NM_001353957.2, NM_001165964.3); c.4002+2510del (NM_001202435.3, NM_001353948.2); c.3966+2510del (NM_001353955.2, NM_001353954.2); c.3915+2510del (NM_001353960.2); c.1560+2510del (NM_001353961.2).
Identifiers: ClinVar variation 2808328 (VCV002808328.3), dbSNP rs1691783469, ClinGen allele CA1038836008.

ClinVar aggregate classification (germline): Uncertain significance (1 of 4 stars; one submission).

Conditions:
Early-infantile DEE. Also called: Early infantile epileptic encephalopathy; Early infantile epileptic encephalopathy with suppression bursts; Ohtahara syndrome. Identifiers: Orphanet 1934, MedGen C0393706, MONDO:0800491.

Submission:

Labcorp Genetics (formerly Invitae), Labcorp
Classification: Uncertain significance for Early-infantile DEE. Last evaluated: 2024-05-15. Review status: criteria provided, single submitter. Criteria: Invitae Variant Classification Sherloc (09022015). Collection method: clinical testing. Allele origin: germline.
Comment: This sequence change falls in intron 20 of the SCN1A gene. It does not directly change the encoded amino acid sequence of the SCN1A protein. However, this sequence change falls within a region encompassing a cryptic exon in the SCN1A gene, in which variants have been shown to alter splicing (PMID: 30526861, 34107977). This variant is not present in population databases (gnomAD no frequency). This variant has been observed in individual(s) with clinical features of SCN1A-related conditions (Invitae). Algorithms developed to predict the effect of sequence changes on RNA splicing suggest that this variant is not likely to affect RNA splicing. In summary, the available evidence is currently insufficient to determine the role of this variant in disease. Therefore, it has been classified as a Variant of Uncertain Significance.

Literature cited by the submitters: PubMed 30526861; PubMed 34107977.